The following is an entry in ClinVar:

ClinVar aggregate classification (germline): Likely benign. Review status: criteria provided, multiple submitters, no conflicts (2 of 4 stars). 2 submissions from 2 submitters: Likely benign (2). Last evaluated 2026-04-13.

Conditions:
DICER1-related tumor predisposition. Also called: DICER1 syndrome; DICER1-related pleuropulmonary blastoma cancer predisposition syndrome. Identifiers: Orphanet 284343, MedGen C3839822, MONDO:0100216.

Allele frequency attached by ClinVar (database versions not stated): gnomAD 0.00001; gnomAD exomes below 0.00001; TOPMed 0.00001; ExAC 0.00002; ESP Exome Variant Server 0.00008.
gnomAD v4.1: 4 of 1,605,160 alleles (0.00025%); highest among the groups gnomAD compares: Non-Finnish European, 0.00034%; no homozygotes.

Submissions (2):

Myriad Genetics, Inc.
Classification: Likely benign for DICER1-related tumor predisposition. Last evaluated: 2026-04-13. Review status: criteria provided, single submitter. Criteria: Myriad Autosomal Dominant, Autosomal Recessive and X-Linked Classification Criteria (2023). Collection method: clinical testing. Allele origin: unknown.
Comment: This variant is considered likely benign. This variant is intronic and is not expected to impact mRNA splicing.

Labcorp Genetics (formerly Invitae), Labcorp
Classification: Likely benign for DICER1-related tumor predisposition. Last evaluated: 2023-12-27. Review status: criteria provided, single submitter. Criteria: Invitae Variant Classification Sherloc (09022015). Collection method: clinical testing. Allele origin: germline.

NM_177438.3(DICER1):c.1376+8T>A

Gene: DICER1 (dicer 1, ribonuclease III; minus strand). Cytogenetic location: 14q32.13.
Variant type: single nucleotide variant.
Coding change: c.1376+8T>A on transcript NM_177438.3 (MANE Select); 8 bases into the intron after coding-DNA position 1376, T replaced by A.
Molecular consequence: intron variant.
Genome position (GRCh38, 1-based): chr14:95,124,188, A>T on the plus strand (T>A on the coding strand, the complement: DICER1 is on the minus strand). VCF-style: chr14-95124188-A-T. GRCh37 (hg19) VCF-style: chr14-95590525-A-T.
Other names: c.1376+8T>A (NM_001291628.2, NM_030621.4, NM_001271282.3 and 1 more transcripts).
Identifiers: ClinVar variation 1121414 (VCV001121414.11), dbSNP rs373570596, ClinGen allele CA7331502.